The following is an entry in ClinVar:

NM_000548.5(TSC2):c.271C>T (p.Pro91Ser)

Gene: TSC2 (TSC complex subunit 2; plus strand). Cytogenetic location: 16p13.3.
Variant type: single nucleotide variant.
Coding change: c.271C>T on transcript NM_000548.5 (MANE Select); coding-DNA position 271, C replaced by T.
Protein change: p.Pro91Ser; replaces proline 91 with serine.
Molecular consequence: missense variant. On other transcripts: intron variant (2).
Genome position (GRCh38, 1-based): chr16:2,053,387, C>T. VCF-style: chr16-2053387-C-T. GRCh37 (hg19) VCF-style: chr16-2103388-C-T.
Other names: c.271C>T (NM_000548.4); c.271C>T, p.Pro91Ser (NM_001077183.3, NM_001114382.3, NM_001363528.2 and 3 more transcripts); c.124C>T, p.Pro42Ser (NM_001318829.2); c.304C>T, p.Pro102Ser (NM_001318832.2); c.226-909C>T (NM_001318827.2); c.-1-2809C>T (NM_001318831.2); short protein forms P91S, P102S, P42S.
Identifiers: ClinVar variation 535967 (VCV000535967.17), dbSNP rs1555496979, ClinGen allele CA394305664.

ClinVar aggregate classification (germline): Uncertain significance. Review status: criteria provided, multiple submitters, no conflicts (2 of 4 stars). 5 submissions from 5 submitters: Uncertain significance (5). Last evaluated 2025-07-07.

Conditions:
Hereditary cancer-predisposing syndrome. Also called: Neoplastic Syndromes, Hereditary; Tumor predisposition; Hereditary Cancer Syndrome; Hereditary neoplastic syndrome. Identifiers: Orphanet 140162, MedGen C0027672, MeSH D009386, MONDO:0015356.
Tuberous sclerosis 2 (TSC2). Identifiers: Orphanet 805, MedGen C1860707, MONDO:0013199, OMIM 613254.
TSC2-related disorder. Also called: TSC2-Related Disorders; TSC2-related condition.
Isolated focal cortical dysplasia type II (FCORD2). Also called: Focal cortical dysplasia type II; CORTICAL DYSPLASIA OF TAYLOR. Identifiers: Orphanet 268994, MedGen C1846385, MONDO:0011818, OMIM 607341, HP:0032051.

gnomAD v4.1: 1 of 1,591,802 alleles (0.000063%); no homozygotes.

Submissions (5):

Labcorp Genetics (formerly Invitae), Labcorp
Classification: Uncertain significance for Tuberous sclerosis 2. Last evaluated: 2025-07-07. Review status: criteria provided, single submitter. Criteria: Invitae Variant Classification Sherloc (09022015). Collection method: clinical testing. Allele origin: germline.
Comment: This sequence change replaces proline, which is neutral and non-polar, with serine, which is neutral and polar, at codon 91 of the TSC2 protein (p.Pro91Ser). This variant is not present in population databases (gnomAD no frequency). This variant has not been reported in the literature in individuals affected with TSC2-related conditions. ClinVar contains an entry for this variant (Variation ID: 535967). Invitae Evidence Modeling of protein sequence and biophysical properties (such as structural, functional, and spatial information, amino acid conservation, physicochemical variation, residue mobility, and thermodynamic stability) indicates that this missense variant is not expected to disrupt TSC2 protein function with a negative predictive value of 95%. In summary, the available evidence is currently insufficient to determine the role of this variant in disease. Therefore, it has been classified as a Variant of Uncertain Significance.

Ambry Genetics
Classification: Uncertain significance for Hereditary cancer-predisposing syndrome. Last evaluated: 2025-05-15. Review status: criteria provided, single submitter. Criteria: Ambry Variant Classification Scheme 2023. Collection method: clinical testing. Allele origin: germline.
Comment: The p.P91S variant (also known as c.271C>T), located in coding exon 3 of the TSC2 gene, results from a C to T substitution at nucleotide position 271. The proline at codon 91 is replaced by serine, an amino acid with similar properties. This amino acid position is highly conserved in available vertebrate species. In addition, the in silico prediction for this alteration is inconclusive. Since supporting evidence is limited at this time, the clinical significance of this alteration remains unclear.

GeneDx
Classification: Uncertain significance. Last evaluated: 2024-05-18. Review status: criteria provided, single submitter. Criteria: GeneDx Variant Classification Process June 2021. Collection method: clinical testing. Allele origin: germline. Affected: yes.
Comment: Not observed at significant frequency in large population cohorts (gnomAD); In silico analysis supports that this missense variant has a deleterious effect on protein structure/function; Has not been previously published as pathogenic or benign to our knowledge

Baylor Genetics
Classification: Uncertain significance for Isolated focal cortical dysplasia type II. Last evaluated: 2023-11-02. Review status: criteria provided, single submitter. Criteria: ACMG Guidelines, 2015. Collection method: clinical testing. Allele origin: unknown.

PreventionGenetics, part of Exact Sciences
Classification: Uncertain significance for TSC2-related condition. Last evaluated: 2023-03-20. Review status: criteria provided, single submitter. Criteria: ACMG Guidelines, 2015. Collection method: clinical testing. Allele origin: germline.
Comment: The TSC2 c.271C>T variant is predicted to result in the amino acid substitution p.Pro91Ser. To our knowledge, this variant has not been reported in the literature or in a large population database, indicating this variant is rare. At this time, the clinical significance of this variant is uncertain due to the absence of conclusive functional and genetic evidence.